The following is an entry in ClinVar:

ClinVar aggregate classification (germline): Uncertain significance (1 of 4 stars; one submission).

Submission:

Labcorp Genetics (formerly Invitae), Labcorp
Classification: Uncertain significance. Last evaluated: 2024-11-11. Review status: criteria provided, single submitter. Criteria: Invitae Variant Classification Sherloc (09022015). Collection method: clinical testing. Allele origin: germline.
Comment: This sequence change falls in intron 3 of the RGS9 gene. It does not directly change the encoded amino acid sequence of the RGS9 protein. It affects a nucleotide within the consensus splice site. This variant is not present in population databases (gnomAD no frequency). This variant has not been reported in the literature in individuals affected with RGS9-related conditions. ClinVar contains an entry for this variant (Variation ID: 1010821). Variants that disrupt the consensus splice site are a relatively common cause of aberrant splicing (PMID: 17576681, 9536098). Algorithms developed to predict the effect of sequence changes on RNA splicing suggest that this variant may disrupt the consensus splice site. In summary, the available evidence is currently insufficient to determine the role of this variant in disease. Therefore, it has been classified as a Variant of Uncertain Significance.

Literature cited by the submitters: PubMed 17576681; PubMed 9536098.

NM_003835.4(RGS9):c.206-3C>A

Gene: RGS9 (regulator of G protein signaling 9; plus strand). Cytogenetic location: 17q24.1.
Variant type: single nucleotide variant.
Coding change: c.206-3C>A on transcript NM_003835.4 (MANE Select); 3 bases into the intron before coding-DNA position 206, C replaced by A.
Molecular consequence: intron variant.
Genome position (GRCh38, 1-based): chr17:65,160,230, C>A. VCF-style: chr17-65160230-C-A. GRCh37 (hg19) VCF-style: chr17-63156348-C-A.
Other names: c.206-3C>A (NM_001081955.3, NM_001165933.2).
Identifiers: ClinVar variation 1010821 (VCV001010821.8), dbSNP rs1910924453, ClinGen allele CA2270706099.